The following is an entry in ClinVar:

NM_014915.3(ANKRD26):c.4860T>A (p.Asp1620Glu)

Gene: ANKRD26 (ankyrin repeat domain containing 26; minus strand). Cytogenetic location: 10p12.1.
Variant type: single nucleotide variant.
Coding change: c.4860T>A on transcript NM_014915.3 (MANE Select); coding-DNA position 4860, T replaced by A.
Protein change: p.Asp1620Glu; replaces aspartic acid 1620 with glutamic acid.
Molecular consequence: missense variant.
Genome position (GRCh38, 1-based): chr10:27,012,975, A>T on the plus strand (T>A on the coding strand, the complement: ANKRD26 is on the minus strand). VCF-style: chr10-27012975-A-T. GRCh37 (hg19) VCF-style: chr10-27301904-A-T.
Other names: c.4857T>A, p.Asp1619Glu (NM_001256053.2); short protein forms D1619E, D1620E.
Identifiers: ClinVar variation 3914717 (VCV003914717.1).

ClinVar aggregate classification (germline): Uncertain significance (1 of 4 stars; one submission).

Conditions:
Inborn genetic diseases. Identifiers: MedGen C0950123, MeSH D030342.

Submission:

Ambry Genetics
Classification: Uncertain significance for Inborn genetic diseases. Last evaluated: 2025-05-24. Review status: criteria provided, single submitter. Criteria: Ambry Variant Classification Scheme 2023. Collection method: clinical testing. Allele origin: germline.
Comment: The p.D1620E variant (also known as c.4860T>A), located in coding exon 32 of the ANKRD26 gene, results from a T to A substitution at nucleotide position 4860. The aspartic acid at codon 1620 is replaced by glutamic acid, an amino acid with highly similar properties. This amino acid position is conserved. In addition, this alteration is predicted to be tolerated by in silico analysis. Based on the available evidence, the clinical significance of this variant remains unclear.